The following is an entry in ClinVar:

ClinVar aggregate classification (germline): Pathogenic (1 of 4 stars; one submission).

Conditions:
Nemaline myopathy 2 (NEM2). Also called: Nemaline myopathy 2, autosomal recessive. Identifiers: MedGen C1850569, MONDO:0009725, OMIM 256030.

Submission:

Labcorp Genetics (formerly Invitae), Labcorp
Classification: Pathogenic for Nemaline myopathy 2. Last evaluated: 2020-07-07. Review status: criteria provided, single submitter. Criteria: Invitae Variant Classification Sherloc (09022015). Collection method: clinical testing. Allele origin: germline.
Comment: This sequence change creates a premature translational stop signal (p.Pro1244Glnfs*25) in the NEB gene. It is expected to result in an absent or disrupted protein product. This variant is not present in population databases (ExAC no frequency). For these reasons, this variant has been classified as Pathogenic. Loss-of-function variants in NEB are known to be pathogenic (PMID: 25205138). This variant has not been reported in the literature in individuals with NEB-related conditions.

Literature cited by the submitters: PubMed 25205138.

NM_001164508.2(NEB):c.3731del (p.Pro1244fs)

Gene: NEB (nebulin; minus strand). Cytogenetic location: 2q23.3.
Variant type: Deletion.
Coding change: c.3731del on transcript NM_001164508.2 (MANE Select); coding-DNA position 3731, one base deleted (C; older notation c.3731delC).
Protein change: p.Pro1244fs; shifts the reading frame from proline 1244.
Molecular consequence: frameshift variant.
Genome position (GRCh38, 1-based): chr2:151,677,608, G deleted on the plus strand (C on the coding strand, the reverse complement: NEB is on the minus strand); the first of 4 consecutive G bases (chr2:151,677,608-151,677,611); deleting any one gives the same sequence. VCF-style (leftmost placement, unchanged base first): chr2-151677607-TG-T. GRCh37 (hg19) VCF-style: chr2-152534121-TG-T.
Other names: c.3731del, p.Pro1244fs (NM_001164507.2, NM_001271208.2, NM_004543.5); short protein forms P1244fs.
Identifiers: ClinVar variation 1073161 (VCV001073161.7), dbSNP rs2154209597, ClinGen allele CA2499215121.